The following is an entry in ClinVar:

NM_002439.5(MSH3):c.579+4T>C

Gene: MSH3 (mutS homolog 3; plus strand). Cytogenetic location: 5q14.1.
Variant type: single nucleotide variant.
Coding change: c.579+4T>C on transcript NM_002439.5 (MANE Select); 4 bases into the intron after coding-DNA position 579, T replaced by C.
Molecular consequence: intron variant.
Genome position (GRCh38, 1-based): chr5:80,665,367, T>C. VCF-style: chr5-80665367-T-C. GRCh37 (hg19) VCF-style: chr5-79961186-T-C.
Identifiers: ClinVar variation 969980 (VCV000969980.13), dbSNP rs901711895, ClinGen allele CA121291057.

ClinVar aggregate classification (germline): Conflicting classifications of pathogenicity. Review status: criteria provided, conflicting classifications (1 of 4 stars). 4 submissions from 4 submitters: Uncertain significance (2); Likely benign (1). 1 of the submissions does not count toward it. Last evaluated 2026-01-07.

Conditions:
Hereditary cancer-predisposing syndrome. Also called: Neoplastic Syndromes, Hereditary; Hereditary Cancer Syndrome; Tumor predisposition; Hereditary neoplastic syndrome. Identifiers: Orphanet 140162, MedGen C0027672, MeSH D009386, MONDO:0015356.
MSH3-related disorder. Also called: MSH3-related condition.

Allele frequency attached by ClinVar (database versions not stated): gnomAD 0.00001; TOPMed 0.00001; gnomAD exomes 0.00003.
gnomAD v4.1: 38 of 1,604,764 alleles (0.0024%); highest among the groups gnomAD compares: Non-Finnish European, 0.0032%; no homozygotes.

Submissions (4):

Labcorp Genetics (formerly Invitae), Labcorp
Classification: Likely benign. Last evaluated: 2026-01-07. Review status: criteria provided, single submitter. Criteria: Invitae Variant Classification Sherloc (09022015). Collection method: clinical testing. Allele origin: germline.

Quest Diagnostics Nichols Institute San Juan Capistrano
Classification: Uncertain significance. Last evaluated: 2024-10-17. Review status: criteria provided, single submitter. Criteria: Quest Diagnostics criteria. Collection method: clinical testing. Allele origin: unknown.
Comment: The MSH3 c.579+4T>C variant has not been reported in individuals with MSH3-related conditions in the published literature. The frequency of this variant in the general population, 0.0000066 (1/152226 chromosomes (Genome Aggregation Database)), is uninformative in the assessment of its pathogenicity. Analysis of this variant using software algorithms for the prediction of the effect of nucleotide changes on splicing yielded predictions that this variant does not affect MSH3 mRNA splicing. Based on the available information, we are unable to determine the clinical significance of this variant.

Ambry Genetics
Classification: Uncertain significance for Hereditary cancer-predisposing syndrome. Last evaluated: 2024-01-02. Review status: criteria provided, single submitter. Criteria: Ambry Variant Classification Scheme 2023. Collection method: clinical testing. Allele origin: germline.
Comment: The c.579+4T>C intronic variant results from a T to C substitution 4 nucleotides after coding exon 3 in the MSH3 gene. This nucleotide position is not well conserved on limited sequence alignment. In silico splice site analysis predicts that this alteration will not have any significant effect on splicing. Since supporting evidence is limited at this time, the clinical significance of this alteration remains unclear.

PreventionGenetics, part of Exact Sciences
Classification: Likely benign for MSH3-related condition. Last evaluated: 2022-04-22. Review status: no assertion criteria provided. Collection method: clinical testing. Allele origin: germline. Not counted in ClinVar's aggregate classification.
Comment: This variant is classified as likely benign based on ACMG/AMP sequence variant interpretation guidelines (Richards et al. 2015 PMID: 25741868, with internal and published modifications).